The following is an entry in ClinVar:

NM_000548.5(TSC2):c.3398-19C>T

Gene: TSC2 (TSC complex subunit 2; plus strand). Cytogenetic location: 16p13.3.
Variant type: single nucleotide variant.
Coding change: c.3398-19C>T on transcript NM_000548.5 (MANE Select); 19 bases into the intron before coding-DNA position 3398, C replaced by T.
Molecular consequence: intron variant.
Genome position (GRCh38, 1-based): chr16:2,080,146, C>T. VCF-style: chr16-2080146-C-T. GRCh37 (hg19) VCF-style: chr16-2130147-C-T.
Other names: c.3398-19C>T (NM_001114382.3); c.3269-19C>T (NM_021055.3, NM_001370405.1, NM_001363528.2); c.3266-19C>T (NM_001370404.1, NM_001077183.3); c.3158-19C>T (NM_001318827.2); c.2666-19C>T (NM_001318831.2); c.3122-19C>T (NM_001318829.2); c.3299-19C>T (NM_001318832.2).
Identifiers: ClinVar variation 1541462 (VCV001541462.9), dbSNP rs969734217, ClinGen allele CA276746586.
Genomic context (GRCh38, chr16:2,080,146, plus strand): 5'-CGGGGGGAGCATTCAGCTTGAGGCTGGTGGTTTTGCATCAGGTAAGTGGTGGTCACCAGT[C>T]CTCTGCCCTCTTCTTCAGGGGGCCATGGTCTTCGAGTTGGCGCCCTGGACGTGCCGGCCT-3'

ClinVar aggregate classification (germline): Benign/Likely benign. Review status: criteria provided, multiple submitters, no conflicts (2 of 4 stars). 2 submissions from 2 submitters: Benign (1); Likely benign (1). Last evaluated 2026-02-01.

Conditions:
Tuberous sclerosis 2 (TSC2). Identifiers: Orphanet 805, MedGen C1860707, MONDO:0013199, OMIM 613254.

Allele frequency attached by ClinVar (database versions not stated): gnomAD exomes 0.00001; TOPMed 0.00002; gnomAD 0.00003.
gnomAD v4.1: 19 of 1,612,674 alleles (0.0012%); highest among the groups gnomAD compares: African/African-American, 0.0067%; no homozygotes.

Submissions (2):

Labcorp Genetics (formerly Invitae), Labcorp
Classification: Likely benign for Tuberous sclerosis 2. Last evaluated: 2026-02-01. Review status: criteria provided, single submitter. Criteria: Invitae Variant Classification Sherloc (09022015). Collection method: clinical testing. Allele origin: germline.

Myriad Genetics, Inc.
Classification: Benign for Tuberous sclerosis 2. Last evaluated: 2024-09-09. Review status: criteria provided, single submitter. Criteria: Myriad Autosomal Dominant, Autosomal Recessive and X-Linked Classification Criteria (2023). Collection method: clinical testing. Allele origin: unknown.
Comment: This variant is considered benign. This variant is intronic and is not expected to impact mRNA splicing. This variant has been observed at a population frequency that is significantly greater than expected given the associated disease prevalence and penetrance.